The following is an entry in ClinVar:

NM_001330260.2(SCN8A):c.790G>T (p.Val264Phe)

Gene: SCN8A (sodium voltage-gated channel alpha subunit 8; plus strand). Cytogenetic location: 12q13.13.
Variant type: single nucleotide variant.
Coding change: c.790G>T on transcript NM_001330260.2 (MANE Select); coding-DNA position 790, G replaced by T.
Protein change: p.Val264Phe; replaces valine 264 with phenylalanine.
Molecular consequence: missense variant.
Genome position (GRCh38, 1-based): chr12:51,699,653, G>T. VCF-style: chr12-51699653-G-T. GRCh37 (hg19) VCF-style: chr12-52093437-G-T.
Other names: c.790G>T, p.Val264Phe (NM_001177984.3, NM_001369788.1, NM_014191.4); short protein forms V264F.
Identifiers: ClinVar variation 1475711 (VCV001475711.9), dbSNP rs2138735683, ClinGen allele CA385226528.

ClinVar aggregate classification (germline): Uncertain significance (1 of 4 stars; one submission).

Conditions:
Early-infantile DEE. Also called: Ohtahara syndrome; Early infantile epileptic encephalopathy with suppression bursts; Early infantile epileptic encephalopathy. Identifiers: Orphanet 1934, MedGen C0393706, MONDO:0800491.

Submission:

Labcorp Genetics (formerly Invitae), Labcorp
Classification: Uncertain significance for Early-infantile DEE. Last evaluated: 2022-07-11. Review status: criteria provided, single submitter. Criteria: Invitae Variant Classification Sherloc (09022015). Collection method: clinical testing. Allele origin: germline.
Comment: This variant is not present in population databases (gnomAD no frequency). This variant has not been reported in the literature in individuals affected with SCN8A-related conditions. ClinVar contains an entry for this variant (Variation ID: 1475711). Algorithms developed to predict the effect of missense changes on protein structure and function are either unavailable or do not agree on the potential impact of this missense change (SIFT: "Deleterious"; PolyPhen-2: "Probably Damaging"; Align-GVGD: "Class C0"). In summary, the available evidence is currently insufficient to determine the role of this variant in disease. Therefore, it has been classified as a Variant of Uncertain Significance. This sequence change replaces valine, which is neutral and non-polar, with phenylalanine, which is neutral and non-polar, at codon 264 of the SCN8A protein (p.Val264Phe).